The following is an entry in ClinVar:

NM_000059.4(BRCA2):c.4735_4744del (p.Ala1579fs)

Gene: BRCA2 (BRCA2 DNA repair associated; plus strand). Cytogenetic location: 13q13.1.
Variant type: Deletion.
Coding change: c.4735_4744del on transcript NM_000059.4 (MANE Select); coding-DNA positions 4735 to 4744, 10 bases deleted (GCATGTGAGA; older notation c.4735_4744delGCATGTGAGA).
Protein change: p.Ala1579fs; shifts the reading frame from alanine 1579.
Molecular consequence: frameshift variant.
Genome position (GRCh38, 1-based): chr13:32,339,090-32,339,099, GCATGTGAGA deleted; deleting any 10 consecutive bases within chr13:32,339,089-32,339,099 gives the same sequence; the c. name uses the placement nearest the transcript's 3' end. VCF-style (leftmost placement, unchanged base first): chr13-32339088-TAGCATGTGAG-T. GRCh37 (hg19) VCF-style: chr13-32913225-TAGCATGTGAG-T.
Other names: short protein forms A1579fs.
Identifiers: ClinVar variation 1171143 (VCV001171143.8), dbSNP rs2137509636, ClinGen allele CA2499222178.

ClinVar aggregate classification (germline): Pathogenic. Review status: criteria provided, multiple submitters, no conflicts (2 of 4 stars). 2 submissions from 2 submitters: Pathogenic (2). Last evaluated 2021-11-01.

Conditions:
Hereditary breast ovarian cancer syndrome. Also called: Hereditary breast and ovarian cancer; Hereditary breast and ovarian cancer syndrome; Hereditary breast and/or ovarian cancer syndrome; BRCA1- and BRCA2-Associated Hereditary Breast and Ovarian Cancer; Hereditary breast and ovarian cancer syndrome (HBOC); Breast and ovarian cancer. Identifiers: Orphanet 145, MedGen C0677776, MeSH D061325, MONDO:0003582. Disease mechanism: loss of function.
Hereditary cancer-predisposing syndrome. Also called: Tumor predisposition; Hereditary neoplastic syndrome; Hereditary Cancer Syndrome; Neoplastic Syndromes, Hereditary. Identifiers: Orphanet 140162, MedGen C0027672, MeSH D009386, MONDO:0015356.

Submissions (2):

Labcorp Genetics (formerly Invitae), Labcorp
Classification: Pathogenic for Hereditary breast ovarian cancer syndrome. Last evaluated: 2021-11-01. Review status: criteria provided, single submitter. Criteria: Invitae Variant Classification Sherloc (09022015). Collection method: clinical testing. Allele origin: germline.
Comment: This variant is not present in population databases (gnomAD no frequency). This sequence change creates a premature translational stop signal (p.Ala1579Profs*35) in the BRCA2 gene. It is expected to result in an absent or disrupted protein product. Loss-of-function variants in BRCA2 are known to be pathogenic (PMID: 20104584). This variant has not been reported in the literature in individuals affected with BRCA2-related conditions. ClinVar contains an entry for this variant (Variation ID: 1171143). For these reasons, this variant has been classified as Pathogenic.

Color Diagnostics, LLC DBA Color Health
Classification: Pathogenic for Hereditary cancer-predisposing syndrome. Last evaluated: 2020-10-19. Review status: criteria provided, single submitter. Criteria: ACMG Guidelines, 2015. Collection method: clinical testing. Allele origin: germline.
Comment: This variant deletes 10 nucleotides in exon 11 of the BRCA2 gene, creating a frameshift and premature translation stop signal. This variant is expected to result in an absent or non-functional protein product. To our knowledge, this variant has not been reported in individuals affected with hereditary cancer in the literature. This variant has not been identified in the general population by the Genome Aggregation Database (gnomAD). Loss of BRCA2 function is a known mechanism of disease. Based on the available evidence, this variant is classified as Pathogenic.

Literature cited by the submitters: PubMed 20104584 (cited by Labcorp Genetics (formerly Invitae), Labcorp).